The following is an entry in ClinVar:

NM_000238.4(KCNH2):c.3109G>T (p.Asp1037Tyr)

Gene: KCNH2 (potassium voltage-gated channel subfamily H member 2; minus strand). Cytogenetic location: 7q36.1.
Variant type: single nucleotide variant.
Coding change: c.3109G>T on transcript NM_000238.4 (MANE Select); coding-DNA position 3109, G replaced by T.
Protein change: p.Asp1037Tyr; replaces aspartic acid 1037 with tyrosine.
Molecular consequence: missense variant. On other transcripts: non-coding transcript variant (2).
Genome position (GRCh38, 1-based): chr7:150,947,371, C>A on the plus strand (G>T on the coding strand, the complement: KCNH2 is on the minus strand). VCF-style: chr7-150947371-C-A. GRCh37 (hg19) VCF-style: chr7-150644459-C-A.
Other names: c.2821G>T, p.Asp941Tyr (NM_001406753.1); c.2089G>T, p.Asp697Tyr (NM_172057.3); short protein forms D1037Y, D697Y, D941Y.
Identifiers: ClinVar variation 3894392 (VCV003894392.1).

ClinVar aggregate classification (germline): Uncertain significance (1 of 4 stars; one submission).

Conditions:
Cardiac arrhythmia. Also called: Cardiac rhythm disease; Arrhythmia. Identifiers: MedGen C0003811, MONDO:0007263, HP:0011675.

gnomAD v4.1: 1 of 1,547,296 alleles (0.000065%); highest among the groups gnomAD compares: Non-Finnish European, 0.000087%; no homozygotes.

Submission:

Color Diagnostics, LLC DBA Color Health
Classification: Uncertain significance for Cardiac arrhythmia. Last evaluated: 2024-10-21. Review status: criteria provided, single submitter. Criteria: ACMG Guidelines, 2015. Collection method: clinical testing. Allele origin: germline.
Comment: This missense variant replaces aspartic acid with tyrosine at codon 1037 of the KCNH2 protein. Computational prediction is inconclusive regarding the impact of this variant on protein structure and function. To our knowledge, functional studies have not been reported for this variant. This variant has been reported in an individual affected with epilepsy (PMID: 31696929). This variant has not been identified in the general population by the Genome Aggregation Database (gnomAD). The available evidence is insufficient to determine the role of this variant in disease conclusively. Therefore, this variant is classified as a Variant of Uncertain Significance.

Literature cited by the submitters: PubMed 31696929.